The following is an entry in ClinVar:

ClinVar aggregate classification (germline): Uncertain significance (0 of 4 stars; one submission).

Conditions:
KDM2B-related disorder. Also called: KDM2B-related condition.

Submission:

PreventionGenetics, part of Exact Sciences
Classification: Uncertain significance for KDM2B-related condition. Last evaluated: 2024-06-15. Review status: no assertion criteria provided. Collection method: clinical testing. Allele origin: germline.
Comment: The KDM2B c.3010A>C variant is predicted to result in the amino acid substitution p.Thr1004Pro. To our knowledge, this variant has not been reported in the literature or in a large population database, indicating this variant is rare. At this time, the clinical significance of this variant is uncertain due to the absence of conclusive functional and genetic evidence.

NM_032590.5(KDM2B):c.3010A>C (p.Thr1004Pro)

Gene: KDM2B (lysine demethylase 2B; minus strand). Cytogenetic location: 12q24.31.
Variant type: single nucleotide variant.
Coding change: c.3010A>C on transcript NM_032590.5 (MANE Select); coding-DNA position 3010, A replaced by C.
Protein change: p.Thr1004Pro; replaces threonine 1004 with proline.
Molecular consequence: missense variant.
Genome position (GRCh38, 1-based): chr12:121,442,431, T>G on the plus strand (A>C on the coding strand, the complement: KDM2B is on the minus strand). VCF-style: chr12-121442431-T-G. GRCh37 (hg19) VCF-style: chr12-121880234-T-G.
Other names: c.2803A>C, p.Thr935Pro (NM_001005366.2); short protein forms T1004P, T935P.
Identifiers: ClinVar variation 3344423 (VCV003344423.1).
Genomic context (GRCh38, chr12:121,442,431, plus strand): 5'-AGATGACACGGGGCGGGCTGCGCAGGCTGGGCCCCAGCTGGTGCCGCAGCTCCCGGGGGG[T>G]GCCGTTGAGCCCCTTGCTGAAGCGGTGGGGACGCTCGCAGATGCCCGGGGGCCGCTTGGG-3'
Protein context (NP_115979.3, residues 994-1014): PHRFSKGLNG[Thr1004Pro]PRELRHQLGP